The following is an entry in ClinVar:

ClinVar aggregate classification (germline): Pathogenic/Likely pathogenic. Review status: criteria provided, multiple submitters, no conflicts (2 of 4 stars). 6 submissions from 6 submitters: Pathogenic (4); Likely pathogenic (2). Last evaluated 2025-05-18.

Conditions:
Primary ciliary dyskinesia. Also called: Ciliary dyskinesia. Identifiers: Orphanet 244, MedGen C0008780, MONDO:0016575, HP:0012265.
DNAH11-related disorders.
Primary ciliary dyskinesia 7. Also called: CILIARY DYSKINESIA, PRIMARY, 7, WITH OR WITHOUT SITUS INVERSUS. Identifiers: Orphanet 244, MedGen C2678473, MONDO:0012748, OMIM 611884.

Allele frequency attached by ClinVar (database versions not stated): gnomAD 0.00001; gnomAD exomes 0.00001 and 0.00005; ExAC 0.00003; 1000 Genomes Project 30x 0.00016.
gnomAD v4.1: 14 of 1,609,994 alleles (0.00087%); highest among the groups gnomAD compares: East Asian, 0.031%; no homozygotes.

Submissions (6):

Labcorp Genetics (formerly Invitae), Labcorp
Classification: Pathogenic for Primary ciliary dyskinesia. Last evaluated: 2025-05-18. Review status: criteria provided, single submitter. Criteria: Invitae Variant Classification Sherloc (09022015). Collection method: clinical testing. Allele origin: germline.
Comment: This sequence change affects an acceptor splice site in intron 17 of the DNAH11 gene. It is expected to disrupt RNA splicing. Variants that disrupt the donor or acceptor splice site typically lead to a loss of protein function (PMID: 16199547), and loss-of-function variants in DNAH11 are known to be pathogenic (PMID: 18022865, 20513915, 22184204). This variant is present in population databases (rs774855011, gnomAD 0.06%). Disruption of this splice site has been observed in individuals with DNAH11-related conditions (PMID: 28976722; internal data). ClinVar contains an entry for this variant (Variation ID: 853420). Algorithms developed to predict the effect of sequence changes on RNA splicing suggest that this variant may disrupt the consensus splice site. For these reasons, this variant has been classified as Pathogenic.

Women's Health and Genetics/Laboratory Corporation of America, LabCorp
Classification: Pathogenic for Primary ciliary dyskinesia 7. Last evaluated: 2025-04-09. Review status: criteria provided, single submitter. Criteria: LabCorp Variant Classification Summary - May 2015. Collection method: clinical testing. Allele origin: germline.
Comment: Variant summary: DNAH11 c.3426-1G>A is located in a canonical splice-site and is predicted to affect mRNA splicing resulting in a significantly altered protein due to either exon skipping, shortening, or inclusion of intronic material. Variants that disrupt the consensus splice site are a relatively common cause of aberrant splicing and loss of DNAH11 function. Several computational tools predict a significant impact on normal splicing: Two predict the variant abolishes a 3' acceptor site. However, these predictions have yet to be confirmed by functional studies. The variant allele was found at a frequency of 4.8e-05 in 247726 control chromosomes. This frequency is not significantly higher than estimated for a pathogenic variant in DNAH11 causing Primary Ciliary Dyskinesia 7, allowing no conclusion about variant significance. c.3426-1G>A has been reported in individuals affected with Primary Ciliary Dyskinesia 7 and related condition (Fu_2018, Li_2022, Internal_testing). These data indicate that the variant is likely to be associated with disease. To our knowledge, no experimental evidence demonstrating an impact on protein function has been reported. The following publications have been ascertained in the context of this evaluation (PMID: 28976722, 35804324). ClinVar contains an entry for this variant (Variation ID: 853420). Based on the evidence outlined above, the variant was classified as pathogenic.

Blueprint Genetics
Classification: Pathogenic for DNAH11-related disorders. Last evaluated: 2024-09-09. Review status: criteria provided, single submitter. Criteria: ACMG Guidelines, 2015. Collection method: clinical testing. Allele origin: germline. Affected: yes. Observed: 3 variant alleles.

New York Genome Center
Classification: Pathogenic for Primary ciliary dyskinesia 7. Last evaluated: 2024-05-28. Review status: criteria provided, single submitter. Criteria: NYGC Assertion Criteria 2020. Collection method: clinical testing. Allele origin: inherited. Affected: yes. Observed: 1 variant allele, 1 homozygote.
Comment: The c.3426-1G>A variant identified in the DNAH11 gene is a canonical splice variant within intron 17/81. In silico splicing algorithm SpliceAIpredicts this variant to lead to abnormal splicing (delta score=0.98, acceptor loss, 1bp), which is predicted to result in exon skipping or partial loss of exon 18, both of which would result in an out of frame consequence and loss of function via nonsense mediated decay. This variant is found with low frequency in population databases (allele frequency 9.9e-6, 0 homozygotes; gnomADv4.1.0, All of Us) suggesting it is not a common benign variant in the populations represented in those databases. The c.3426-1G>A variant in DNAH11 is reported in ClinVar as Pathogenic/Likely Pathogenic (VarID:853420) and has been reported as homozygous [PMID:28976722] and in compound heterozygosity with a pathogenic/likely pathogenic variant [PMID:35804324, 36003331] in individuals with DNAH11-associated phenotypes including situs inversus, congenital heart disease, and bronchiectasis. Additionally, a different nucleotide change at this position, c.3426-1G>T has been reported in compound heterozygous state with a likely pathogenic variant in an individual with ciliary dyskinesia [PMID:33715250]. Given its predicted deleterious nature, low frequency in population databases, and observation in affected patients in homozygosity and in compound heterozygosity with a second DNAH11 pathogenic/likely pathogenic variant, the c.3426-1G>A variant identified in the DNAH11 gene is classified as Pathogenic.

Ambry Genetics
Classification: Likely pathogenic for Primary ciliary dyskinesia. Last evaluated: 2024-04-30. Review status: criteria provided, single submitter. Criteria: Ambry Variant Classification Scheme 2023. Collection method: clinical testing. Allele origin: germline.
Comment: The c.3426-1G>A intronic variant results from a G to A substitution one nucleotide upstream from coding exon 18 of the DNAH11 gene. This variant was reported in multiple individuals with congenital heart disease in the homozygous state (Fu F et al. Ultrasound Obstet Gynecol, 2018 Apr;51:493-502) or in conjunction with other DNAH11 variant(s) (Xia H et al. PLoS One, 2021 Jun;16:e0252786; Li Y et al. BMC Pediatr, 2022 Jul;22:402). This nucleotide position is highly conserved in available vertebrate species. In silico splice site analysis predicts that this alteration will weaken the native splice acceptor site and may result in the creation or strengthening of a novel splice acceptor site. Alterations that disrupt the canonical splice site are expected to cause aberrant splicing, resulting in an abnormal protein or a transcript that is subject to nonsense-mediated mRNA decay. As such, this alteration is classified as likely pathogenic.

Molecular Genetics Department, Kulakov National Medical Research Center for Obstetrics, Gynecology and Perinatology
Classification: Likely pathogenic for Primary ciliary dyskinesia 7. Review status: criteria provided, single submitter. Criteria: ACMG Guidelines, 2015. Collection method: clinical testing. Allele origin: maternal. Affected: yes.
Comment: A previously undescribed nucleotide variant creates an alteration of the canonical splice site c.3426-1G>A in the DNAH11 gene. Homozygous and compound heterozygous variants are reported in patients with Ciliary dyskinesia, primary, 7, with or without situs inversus, 611884 (3). The variant is present in gnomAD population database at low frequency (12/247726 chromosomes, no homozygotes). In summary, the currently available evidence indicates that the variant is pathogenic, but additional data are needed to prove that conclusively. Therefore, this variant has been classified as likely pathogenic.

Literature cited by the submitters: PubMed 16199547 (cited by Labcorp Genetics (formerly Invitae), Labcorp); PubMed 18022865 (cited by Labcorp Genetics (formerly Invitae), Labcorp); PubMed 20513915 (cited by Labcorp Genetics (formerly Invitae), Labcorp); PubMed 22184204 (cited by Labcorp Genetics (formerly Invitae), Labcorp); PubMed 28976722 (cited by 4 submitters); PubMed 35804324 (cited by 3 submitters); PubMed 36003331 (cited by New York Genome Center); PubMed 34133440 (cited by Ambry Genetics).

NM_001277115.2(DNAH11):c.3426-1G>A

Gene: DNAH11 (dynein axonemal heavy chain 11; plus strand). Cytogenetic location: 7p15.3.
Variant type: single nucleotide variant.
Coding change: c.3426-1G>A on transcript NM_001277115.2 (MANE Select); the canonical splice acceptor site of the intron before coding-DNA position 3426, G replaced by A.
Molecular consequence: splice acceptor variant.
Genome position (GRCh38, 1-based): chr7:21,601,395, G>A. VCF-style: chr7-21601395-G-A. GRCh37 (hg19) VCF-style: chr7-21641013-G-A.
Identifiers: ClinVar variation 853420 (VCV000853420.14), dbSNP rs774855011, ClinGen allele CA4179638.
Genomic context (GRCh38, chr7:21,601,395, plus strand): 5'-TACTGCTAAATGTTTTAATAAACTTAATTTGTGTGTATCTATGTACATATATATTTAATA[G>A]TCTGAATGAGCTACAAGAATTTATAAAGGAGACAGATTCCGGACTTCAGAGAGAATTAAA-3'